The following is an entry in ClinVar:

ClinVar aggregate classification (germline): Likely benign (1 of 4 stars; one submission).

Allele frequency attached by ClinVar (database versions not stated): 1000 Genomes Project 0.01138; 1000 Genomes Project 30x 0.01156; gnomAD 0.01244 and 0.01355; TOPMed 0.01304.
gnomAD v4.1: 1,879 of 152,270 alleles (1.2%); highest among the groups gnomAD compares: African/African-American, 4.3%; 41 homozygotes.

Submission:

GeneDx
Classification: Likely benign. Last evaluated: 2018-06-14. Review status: criteria provided, single submitter. Criteria: GeneDx Variant Classification (06012015). Collection method: clinical testing. Allele origin: germline. Affected: yes.
Comment: This variant is considered likely benign or benign based on one or more of the following criteria: it is a conservative change, it occurs at a poorly conserved position in the protein, it is predicted to be benign by multiple in silico algorithms, and/or has population frequency not consistent with disease.

NM_213649.2(SFXN4):c.178-241G>C

Gene: SFXN4 (sideroflexin 4; minus strand). Cytogenetic location: 10q26.11.
Variant type: single nucleotide variant.
Coding change: c.178-241G>C on transcript NM_213649.2 (MANE Select); 241 bases into the intron before coding-DNA position 178, G replaced by C.
Molecular consequence: intron variant.
Genome position (GRCh38, 1-based): chr10:119,162,655, C>G on the plus strand (G>C on the coding strand, the complement: SFXN4 is on the minus strand). VCF-style: chr10-119162655-C-G. GRCh37 (hg19) VCF-style: chr10-120922167-C-G.
Identifiers: ClinVar variation 673250 (VCV000673250.1), dbSNP rs57269521, ClinGen allele CA214185232.